The following is an entry in ClinVar:

NM_005995.5(TBX10):c.561C>T (p.Asn187=)

Gene: TBX10 (T-box transcription factor 10; minus strand). Cytogenetic location: 11q13.2.
Variant type: single nucleotide variant.
Coding change: c.561C>T on transcript NM_005995.5 (MANE Select); coding-DNA position 561, C replaced by T.
Protein change: p.Asn187=; no amino-acid change (asparagine 187 retained).
Molecular consequence: synonymous variant.
Genome position (GRCh38, 1-based): chr11:67,633,092, G>A on the plus strand (C>T on the coding strand, the complement: TBX10 is on the minus strand). VCF-style: chr11-67633092-G-A. GRCh37 (hg19) VCF-style: chr11-67400563-G-A.
Identifiers: ClinVar variation 3041436 (VCV003041436.2), dbSNP rs140246160, ClinGen allele CA6143943.
Genomic context (GRCh38, chr11:67,633,092, plus strand): 5'-ACTGTCCTTGCGTGGGTCCACGAAGACCACGTGGAAACGGGGCTGGTAGCGGTGCATAGA[G>A]TTGAGAATGATCTGTGGAAGGGACAGAGCAGGGGTACAGGGGTGAGGCGGAGTACAGCGG-3'
Protein context (NP_005986.2, residues 177-197): LLDDNGHIIL[Asn187=]SMHRYQPRFH

ClinVar aggregate classification (germline): Likely benign (0 of 4 stars; one submission).

Conditions:
TBX10-related disorder. Also called: TBX10-related condition.

Allele frequency attached by ClinVar (database versions not stated): 1000 Genomes Project 0.00040; 1000 Genomes Project 30x 0.00047; ExAC 0.00056; gnomAD 0.00068; ESP Exome Variant Server 0.00077; TOPMed 0.00079; gnomAD exomes 0.00099.
gnomAD v4.1: 1,534 of 1,614,016 alleles (0.095%); highest among the groups gnomAD compares: Non-Finnish European, 0.12%; no homozygotes.

Submission:

PreventionGenetics, part of Exact Sciences
Classification: Likely benign for TBX10-related condition. Last evaluated: 2022-07-26. Review status: no assertion criteria provided. Collection method: clinical testing. Allele origin: germline.
Comment: This variant is classified as likely benign based on ACMG/AMP sequence variant interpretation guidelines (Richards et al. 2015 PMID: 25741868, with internal and published modifications).